The following is an entry in ClinVar:

NM_007078.3(LDB3):c.1501G>A (p.Ala501Thr)

Gene: LDB3 (LIM domain binding 3; plus strand). Cytogenetic location: 10q23.2.
Variant type: single nucleotide variant.
Coding change: c.1501G>A on transcript NM_007078.3 (MANE Select); coding-DNA position 1501, G replaced by A.
Protein change: p.Ala501Thr; replaces alanine 501 with threonine.
Molecular consequence: missense variant.
Genome position (GRCh38, 1-based): chr10:86,716,596, G>A. VCF-style: chr10-86716596-G-A. GRCh37 (hg19) VCF-style: chr10-88476353-G-A.
Other names: c.1171G>A, p.Ala391Thr (NM_001080114.2); c.1516G>A, p.Ala506Thr (NM_001171610.2); c.1312G>A, p.Ala438Thr (NM_001368064.1, NM_001368065.1); c.1360G>A, p.Ala454Thr (NM_001368066.1); short protein forms A438T, A506T, A391T, A454T, A501T.
Identifiers: ClinVar variation 4702656 (VCV004702656.1).

ClinVar aggregate classification (germline): Uncertain significance (1 of 4 stars; one submission).

Conditions:
Myofibrillar myopathy 4. Also called: Zaspopathy (type). Identifiers: Orphanet 98912, MedGen C4721886, MONDO:0012277, OMIM 609452.

gnomAD v4.1: 2 of 1,613,794 alleles (0.00012%); highest among the groups gnomAD compares: Non-Finnish European, 0.000085%; no homozygotes.

Submission:

Labcorp Genetics (formerly Invitae), Labcorp
Classification: Uncertain significance for Myofibrillar myopathy 4. Last evaluated: 2025-11-06. Review status: criteria provided, single submitter. Criteria: Invitae Variant Classification Sherloc (09022015). Collection method: clinical testing. Allele origin: germline.
Comment: The LDB3 gene has multiple clinically relevant transcripts. This variant occurs in alternate transcript NM_007078.3, and corresponds to NM_001080116.1:c.*17222G>A in the primary transcript. This sequence change replaces alanine, which is neutral and non-polar, with threonine, which is neutral and polar, at codon 501 of the LDB3 protein (p.Ala501Thr). This variant is not present in population databases (gnomAD no frequency). This variant has not been reported in the literature in individuals affected with LDB3-related conditions. Experimental studies and prediction algorithms are not available or were not evaluated, and the functional significance of this variant is currently unknown. In summary, the available evidence is currently insufficient to determine the role of this variant in disease. Therefore, it has been classified as a Variant of Uncertain Significance.